The following is an entry in ClinVar:

NM_024740.2(ALG9):c.1177A>C (p.Ser393Arg)

Gene: ALG9 (ALG9 alpha-1,2-mannosyltransferase; minus strand). Cytogenetic location: 11q23.1.
Variant type: single nucleotide variant.
Coding change: c.1177A>C on transcript NM_024740.2 (MANE Select); coding-DNA position 1177, A replaced by C.
Protein change: p.Ser393Arg; replaces serine 393 with arginine.
Molecular consequence: missense variant. On other transcripts: non-coding transcript variant (1), intron variant (14).
Genome position (GRCh38, 1-based): chr11:111,838,396, T>G on the plus strand (A>C on the coding strand, the complement: ALG9 is on the minus strand). VCF-style: chr11-111838396-T-G. GRCh37 (hg19) VCF-style: chr11-111709119-T-G.
Other names: c.664A>C, p.Ser222Arg (NM_001077691.2, NM_001352413.1, NM_001352414.2 and 1 more transcripts); c.661-18A>C (NM_001352409.1, NM_001352410.1, NM_001352412.2 and 6 more transcripts); c.1051-18A>C (NM_001352418.1); c.1174-18A>C (NM_001352417.1, NM_001077690.1); c.586-18A>C (NM_001352422.2); c.538-18A>C (NM_001352423.2); short protein forms S393R, S222R.
Identifiers: ClinVar variation 1959895 (VCV001959895.5), dbSNP rs1555119958, ClinGen allele CA382594105.

ClinVar aggregate classification (germline): Uncertain significance (1 of 4 stars; one submission).

Conditions:
ALG9 congenital disorder of glycosylation (CDG1L). Also called: ALG9-CDG; CDG Il; CONGENITAL DISORDER OF GLYCOSYLATION, TYPE Il. Identifiers: Orphanet 79328, MedGen C2931006, MONDO:0012117, OMIM 608776.

Submission:

Labcorp Genetics (formerly Invitae), Labcorp
Classification: Uncertain significance for ALG9 congenital disorder of glycosylation. Last evaluated: 2022-09-01. Review status: criteria provided, single submitter. Criteria: Invitae Variant Classification Sherloc (09022015). Collection method: clinical testing. Allele origin: germline.
Comment: This sequence change replaces serine, which is neutral and polar, with arginine, which is basic and polar, at codon 393 of the ALG9 protein (p.Ser393Arg). This variant is not present in population databases (gnomAD no frequency). This variant has not been reported in the literature in individuals affected with ALG9-related conditions. Experimental studies and prediction algorithms are not available or were not evaluated, and the functional significance of this variant is currently unknown. Algorithms developed to predict the effect of sequence changes on RNA splicing suggest that this variant may disrupt the consensus splice site. In summary, the available evidence is currently insufficient to determine the role of this variant in disease. Therefore, it has been classified as a Variant of Uncertain Significance.